The following is an entry in ClinVar:

GRCh38/hg38 15q26.3(chr15:101642152-101843270)x3

Genes: OR4F15 (olfactory receptor family 4 subfamily F member 15; plus strand), OR4F6 (olfactory receptor family 4 subfamily F member 6; plus strand), TARS3 (threonyl-tRNA synthetase 3; minus strand), TM2D3 (TM2 domain containing 3; minus strand), LOC126862258 (BRD4-independent group 4 enhancer GRCh37_chr15:102303375-102304574; plus strand) and 5 more. Cytogenetic location: 15q26.3.
Variant type: copy number gain.
Change: copy number 3 (three copies instead of two) of chr15:101,642,152-101,843,270 (201.1 kb, GRCh38 coordinates, 1-based), cytogenetic band 15q26.3.
Identifiers: ClinVar variation 57191 (VCV000057191.1).

ClinVar aggregate classification (germline): Benign (1 of 4 stars; one submission).

Submission:

ISCA site 4
Classification: Benign. Last evaluated: 2011-08-12. Review status: criteria provided, single submitter. Criteria: Kaminsky et al. (Genet Med. 2011). Collection method: clinical testing. Allele origin: unknown. Affected: yes. Observed: 2 variant alleles.
Comment: Copy number variation identified through the course of routine clinical cytogenomic testing in postnatal populations. Clinical assertions have been curated as described in Kaminsky et al. 2011.